The following is an entry in ClinVar:

NM_000540.3(RYR1):c.1020C>T (p.Tyr340=)

Gene: RYR1 (ryanodine receptor 1; plus strand). Cytogenetic location: 19q13.2.
Variant type: single nucleotide variant.
Coding change: c.1020C>T on transcript NM_000540.3 (MANE Select); coding-DNA position 1020, C replaced by T.
Protein change: p.Tyr340=; no amino-acid change (tyrosine 340 retained).
Molecular consequence: synonymous variant.
Genome position (GRCh38, 1-based): chr19:38,448,711, C>T. VCF-style: chr19-38448711-C-T. GRCh37 (hg19) VCF-style: chr19-38939351-C-T.
Other names: c.1020C>T, p.Tyr340= (NM_001042723.2).
Identifiers: ClinVar variation 1694914 (VCV001694914.38), dbSNP rs778349211, ClinGen allele CA052598.

ClinVar aggregate classification (germline): Likely benign. Review status: criteria provided, multiple submitters, no conflicts (2 of 4 stars). 5 submissions from 5 submitters: Likely benign (4). 1 of the submissions does not count toward it. Last evaluated 2023-12-13.

Conditions:
Malignant hyperthermia, susceptibility to, 1 (MHS1). Also called: Malignant hyperthermia suceptibility 1; Anesthesia related hyperthermia; Malignant hyperpyrexia; Fulminating hyperpyrexia; Pharmacogenic myopathy; RYR1-Related Malignant Hyperthermia Susceptibility. Identifiers: Orphanet 423, MedGen C2930980, MONDO:0007783, OMIM 145600.
RYR1-related disorder. Also called: RYR1-related condition; RYR1-related disorders. Identifiers: MedGen CN239331.

Allele frequency attached by ClinVar (database versions not stated): ExAC 0.00001; gnomAD 0.00001; gnomAD exomes 0.00001 and 0.00002.
gnomAD v4.1: 29 of 1,614,096 alleles (0.0018%); highest among the groups gnomAD compares: South Asian, 0.0033%; no homozygotes.

Submissions (5):

Labcorp Genetics (formerly Invitae), Labcorp
Classification: Likely benign for RYR1-related disorder. Last evaluated: 2023-12-13. Review status: criteria provided, single submitter. Criteria: Invitae Variant Classification Sherloc (09022015). Collection method: clinical testing. Allele origin: germline.

All of Us Research Program, National Institutes of Health
Classification: Likely benign for Malignant hyperthermia, susceptibility to, 1. Last evaluated: 2023-10-06. Review status: criteria provided, single submitter. Criteria: ACMG Guidelines, 2015. Collection method: clinical testing. Allele origin: germline. Inheritance: Autosomal dominant inheritance. Observed: 4 variant alleles, 4 heterozygotes.
Comment: This study involves interpretation of variants in research participants for the purpose of population health screening. Participant phenotype was not available at the time of variant classification. Additional details can be found in publication PMID: 35346344, PMCID: PMC8962531

Blueprint Genetics
Classification: Likely benign. Last evaluated: 2023-06-20. Review status: criteria provided, single submitter. Criteria: ACMG Guidelines, 2015. Collection method: clinical testing. Allele origin: germline.

CeGaT Center for Human Genetics Tuebingen
Classification: Likely benign. Last evaluated: 2022-04-01. Review status: criteria provided, single submitter. Criteria: CeGaT Center For Human Genetics Tuebingen Variant Classification Criteria Version 2. Collection method: clinical testing. Allele origin: germline. Affected: yes. Observed: 1 variant allele.
Comment: RYR1: BP4, BP7

PreventionGenetics, part of Exact Sciences
Classification: Likely benign for RYR1-related condition. Last evaluated: 2024-05-06. Review status: no assertion criteria provided. Collection method: clinical testing. Allele origin: germline. Not counted in ClinVar's aggregate classification.
Comment: This variant is classified as likely benign based on ACMG/AMP sequence variant interpretation guidelines (Richards et al. 2015 PMID: 25741868, with internal and published modifications).